The following is an entry in ClinVar:

ClinVar aggregate classification (germline): Uncertain significance (1 of 4 stars; one submission).

Conditions:
Majeed syndrome (MJDS). Also called: LPIN2-Related Majeed Syndrome; CHRONIC RECURRENT MULTIFOCAL OSTEOMYELITIS 1, WITH CONGENITAL DYSERYTHROPOIETIC ANEMIA, WITH OR WITHOUT NEUTROPHILIC DERMATOSIS. Identifiers: Orphanet 77297, MedGen C1864997, MONDO:0012316, OMIM 609628.

gnomAD v4.1: 1 of 1,613,808 alleles (0.000062%); highest among the groups gnomAD compares: South Asian, 0.0011%; no homozygotes.

Submission:

Labcorp Genetics (formerly Invitae), Labcorp
Classification: Uncertain significance for Majeed syndrome. Last evaluated: 2023-12-06. Review status: criteria provided, single submitter. Criteria: Invitae Variant Classification Sherloc (09022015). Collection method: clinical testing. Allele origin: germline.
Comment: This sequence change replaces glycine, which is neutral and non-polar, with valine, which is neutral and non-polar, at codon 410 of the LPIN2 protein (p.Gly410Val). This variant is not present in population databases (gnomAD no frequency). This variant has not been reported in the literature in individuals affected with LPIN2-related conditions. ClinVar contains an entry for this variant (Variation ID: 1715861). Advanced modeling of protein sequence and biophysical properties (such as structural, functional, and spatial information, amino acid conservation, physicochemical variation, residue mobility, and thermodynamic stability) performed at Invitae indicates that this missense variant is not expected to disrupt LPIN2 protein function with a negative predictive value of 80%. In summary, the available evidence is currently insufficient to determine the role of this variant in disease. Therefore, it has been classified as a Variant of Uncertain Significance.

NM_001375808.2(LPIN2):c.1229G>T (p.Gly410Val)

Gene: LPIN2 (lipin 2; minus strand). Cytogenetic location: 18p11.31.
Variant type: single nucleotide variant.
Coding change: c.1229G>T on transcript NM_001375808.2 (MANE Select); coding-DNA position 1229, G replaced by T.
Protein change: p.Gly410Val; replaces glycine 410 with valine.
Molecular consequence: missense variant.
Genome position (GRCh38, 1-based): chr18:2,934,390, C>A on the plus strand (G>T on the coding strand, the complement: LPIN2 is on the minus strand). VCF-style: chr18-2934390-C-A. GRCh37 (hg19) VCF-style: chr18-2934388-C-A.
Other names: c.1229G>T, p.Gly410Val (NM_001375809.1, NM_014646.2); short protein forms G410V.
Identifiers: ClinVar variation 1715861 (VCV001715861.6), dbSNP rs2077255674, ClinGen allele CA401705323.